The following is an entry in ClinVar:

ClinVar aggregate classification (germline): Likely benign (1 of 4 stars; one submission).

gnomAD v4.1: 43 of 1,606,682 alleles (0.0027%); highest among the groups gnomAD compares: South Asian, 0.0044%; no homozygotes.

Submission:

CeGaT Center for Human Genetics Tuebingen
Classification: Likely benign. Last evaluated: 2025-06-01. Review status: criteria provided, single submitter. Criteria: CeGaT Center For Human Genetics Tuebingen Variant Classification Criteria Version 2. Collection method: clinical testing. Allele origin: germline. Affected: yes. Observed: 1 variant allele.
Comment: RREB1: BP4, BP7

NM_001003699.4(RREB1):c.1677C>T (p.Asn559=)

Gene: RREB1 (ras responsive element binding protein 1; plus strand). Cytogenetic location: 6p24.3.
Variant type: single nucleotide variant.
Coding change: c.1677C>T on transcript NM_001003699.4 (MANE Select); coding-DNA position 1677, C replaced by T.
Protein change: p.Asn559=; no amino-acid change (asparagine 559 retained).
Molecular consequence: synonymous variant.
Genome position (GRCh38, 1-based): chr6:7,229,776, C>T. VCF-style: chr6-7229776-C-T. GRCh37 (hg19) VCF-style: chr6-7230009-C-T.
Other names: c.1677C>T, p.Asn559= (NM_001003698.4, NM_001003700.2, NM_001168344.2).
Identifiers: ClinVar variation 3905216 (VCV003905216.10).